The following is an entry in ClinVar:

ClinVar aggregate classification (germline): Uncertain significance. Review status: criteria provided, multiple submitters, no conflicts (2 of 4 stars). 3 submissions from 3 submitters: Uncertain significance (3). Last evaluated 2026-02-15.

Conditions:
Usher syndrome type 3B. Also called: USHER SYNDROME, TYPE IIIB. Identifiers: MedGen C3281066, MONDO:0013788, OMIM 614504.

gnomAD v4.1: 6 of 1,582,546 alleles (0.00038%); highest among the groups gnomAD compares: South Asian, 0.0066%; no homozygotes.

Submissions (3):

GeneDx
Classification: Uncertain significance. Last evaluated: 2026-02-15. Review status: criteria provided, single submitter. Criteria: GeneDx Variant Classification Process June 2021. Collection method: clinical testing. Allele origin: germline. Affected: yes.
Comment: Not observed at significant frequency in large population cohorts (gnomAD); In silico analysis supports that this missense variant has a deleterious effect on protein structure/function; Has not been previously published as pathogenic or benign to our knowledge

Women's Health and Genetics/Laboratory Corporation of America, LabCorp
Classification: Uncertain significance. Last evaluated: 2023-05-11. Review status: criteria provided, single submitter. Criteria: LabCorp Variant Classification Summary - May 2015. Collection method: clinical testing. Allele origin: germline.
Comment: Variant summary: HARS c.173C>T (p.Thr58Ile) results in a non-conservative amino acid change located in the WHEP-TRS domain (IPR000738) of the encoded protein sequence. Four of five in-silico tools predict a damaging effect of the variant on protein function. The variant was absent in 251478 control chromosomes (gnomAD). The available data on variant occurrences in the general population are insufficient to allow any conclusion about variant significance. To our knowledge, no occurrence of c.173C>T in individuals affected with Usher Syndrome and no experimental evidence demonstrating its impact on protein function have been reported. One ClinVar submitter has assessed the variant since 2014: the variant was classified as uncertain significance. Based on the evidence outlined above, the variant was classified as uncertain significance.

Labcorp Genetics (formerly Invitae), Labcorp
Classification: Uncertain significance for Usher syndrome type 3B. Last evaluated: 2022-11-04. Review status: criteria provided, single submitter. Criteria: Invitae Variant Classification Sherloc (09022015). Collection method: clinical testing. Allele origin: germline.
Comment: In summary, the available evidence is currently insufficient to determine the role of this variant in disease. Therefore, it has been classified as a Variant of Uncertain Significance. Advanced modeling of protein sequence and biophysical properties (such as structural, functional, and spatial information, amino acid conservation, physicochemical variation, residue mobility, and thermodynamic stability) performed at Invitae indicates that this missense variant is not expected to disrupt HARS protein function. ClinVar contains an entry for this variant (Variation ID: 1710556). This variant has not been reported in the literature in individuals affected with HARS-related conditions. This variant is not present in population databases (gnomAD no frequency). This sequence change replaces threonine, which is neutral and polar, with isoleucine, which is neutral and non-polar, at codon 58 of the HARS protein (p.Thr58Ile).

NM_002109.6(HARS1):c.173C>T (p.Thr58Ile)

Gene: HARS1 (histidyl-tRNA synthetase 1; minus strand). Cytogenetic location: 5q31.3.
Variant type: single nucleotide variant.
Coding change: c.173C>T on transcript NM_002109.6 (MANE Select); coding-DNA position 173, C replaced by T.
Protein change: p.Thr58Ile; replaces threonine 58 with isoleucine.
Molecular consequence: missense variant.
Genome position (GRCh38, 1-based): chr5:140,690,862, G>A on the plus strand (C>T on the coding strand, the complement: HARS1 is on the minus strand). VCF-style: chr5-140690862-G-A. GRCh37 (hg19) VCF-style: chr5-140070447-G-A.
Other names: c.173C>T, p.Thr58Ile (NM_001258040.3, NM_001258041.3, NM_001258042.3 and 2 more transcripts); c.86C>T, p.Thr29Ile (NM_001289094.2); short protein forms T29I, T58I.
Identifiers: ClinVar variation 1710556 (VCV001710556.6), dbSNP rs2481338418, ClinGen allele CA361190033.